The following is an entry in ClinVar:

ClinVar aggregate classification (germline): Uncertain significance. Review status: criteria provided, multiple submitters, no conflicts (2 of 4 stars). 3 submissions from 3 submitters: Uncertain significance (3). Last evaluated 2023-05-17.

Conditions:
Inborn genetic diseases. Identifiers: MedGen C0950123, MeSH D030342.
Charcot-Marie-Tooth disease type 4. Also called: Charcot-Marie-Tooth, Type 4; Charcot-Marie-Tooth disease, type IV. Identifiers: Orphanet 64749, MedGen C4082197, MONDO:0018995.

Allele frequency attached by ClinVar (database versions not stated): gnomAD exomes 0.00001; TOPMed 0.00001; ExAC 0.00003.
gnomAD v4.1: 22 of 1,586,792 alleles (0.0014%); highest among the groups gnomAD compares: Middle Eastern, 0.017%; no homozygotes.

Submissions (3):

Ambry Genetics
Classification: Uncertain significance for Inborn genetic diseases. Last evaluated: 2023-05-17. Review status: criteria provided, single submitter. Criteria: Ambry Variant Classification Scheme 2023. Collection method: clinical testing. Allele origin: germline.

Labcorp Genetics (formerly Invitae), Labcorp
Classification: Uncertain significance for Charcot-Marie-Tooth disease type 4. Last evaluated: 2021-12-02. Review status: criteria provided, single submitter. Criteria: Invitae Variant Classification Sherloc (09022015). Collection method: clinical testing. Allele origin: germline.
Comment: This sequence change replaces arginine, which is basic and polar, with glutamine, which is neutral and polar, at codon 45 of the PRX protein (p.Arg45Gln). The frequency data for this variant in the population databases is considered unreliable, as metrics indicate poor data quality at this position in the gnomAD database. This variant has not been reported in the literature in individuals affected with PRX-related conditions. ClinVar contains an entry for this variant (Variation ID: 448135). Algorithms developed to predict the effect of missense changes on protein structure and function (SIFT, PolyPhen-2, Align-GVGD) all suggest that this variant is likely to be tolerated. Algorithms developed to predict the effect of sequence changes on RNA splicing suggest that this variant may create or strengthen a splice site. In summary, the available evidence is currently insufficient to determine the role of this variant in disease. Therefore, it has been classified as a Variant of Uncertain Significance.

Athena Diagnostics
Classification: Uncertain significance. Last evaluated: 2017-05-05. Review status: criteria provided, single submitter. Criteria: Athena Diagnostics Criteria. Collection method: clinical testing. Allele origin: germline.

NM_181882.3(PRX):c.134G>A (p.Arg45Gln)

Genes: PRX (periaxin; minus strand), LOC130064454 (ATAC-STARR-seq lymphoblastoid active region 14650; plus strand). Cytogenetic location: 19q13.2.
Variant type: single nucleotide variant.
Coding change: c.134G>A on transcript NM_181882.3 (MANE Select); coding-DNA position 134, G replaced by A.
Protein change: p.Arg45Gln; replaces arginine 45 with glutamine.
Molecular consequence: missense variant.
Genome position (GRCh38, 1-based): chr19:40,403,756, C>T on the plus strand (G>A on the coding strand, the complement: PRX is on the minus strand). VCF-style: chr19-40403756-C-T. GRCh37 (hg19) VCF-style: chr19-40909663-C-T.
Other names: c.134G>A, p.Arg45Gln (NM_020956.2); short protein forms R45Q.
Identifiers: ClinVar variation 448135 (VCV000448135.5), dbSNP rs751441856, ClinGen allele CA9444576.